The following is an entry in ClinVar:

ClinVar aggregate classification (germline): Uncertain significance. Review status: criteria provided, multiple submitters, no conflicts (2 of 4 stars). 2 submissions from 2 submitters: Uncertain significance (2). Last evaluated 2023-10-05.

Conditions:
Autosomal recessive polycystic kidney disease (ARPKD). Also called: AR polycystic kidney disease. Identifiers: Orphanet 731, Orphanet 8378, MedGen C0085548, MeSH D017044, MONDO:0009889.
Inborn genetic diseases. Identifiers: MedGen C0950123, MeSH D030342.

gnomAD v4.1: 1 of 1,589,672 alleles (0.000063%); no homozygotes.

Submissions (2):

Ambry Genetics
Classification: Uncertain significance for Inborn genetic diseases. Last evaluated: 2023-10-05. Review status: criteria provided, single submitter. Criteria: Ambry Variant Classification Scheme 2023. Collection method: clinical testing. Allele origin: germline.

Labcorp Genetics (formerly Invitae), Labcorp
Classification: Uncertain significance for Autosomal recessive polycystic kidney disease. Last evaluated: 2021-08-30. Review status: criteria provided, single submitter. Criteria: Invitae Variant Classification Sherloc (09022015). Collection method: clinical testing. Allele origin: germline.
Comment: This sequence change replaces leucine with valine at codon 152 of the PKHD1 protein (p.Leu152Val). The leucine residue is weakly conserved and there is a small physicochemical difference between leucine and valine. This variant is not present in population databases (ExAC no frequency). This variant has not been reported in the literature in individuals affected with PKHD1-related conditions. Algorithms developed to predict the effect of missense changes on protein structure and function output the following: SIFT: "Tolerated"; PolyPhen-2: "Benign"; Align-GVGD: "Class C0". The valine amino acid residue is found in multiple mammalian species, which suggests that this missense change does not adversely affect protein function. Algorithms developed to predict the effect of sequence changes on RNA splicing suggest that this variant may create or strengthen a splice site. In summary, the available evidence is currently insufficient to determine the role of this variant in disease. Therefore, it has been classified as a Variant of Uncertain Significance.

NM_138694.4(PKHD1):c.454C>G (p.Leu152Val)

Gene: PKHD1 (PKHD1 ciliary IPT domain containing fibrocystin/polyductin; minus strand). Cytogenetic location: 6p12.2.
Variant type: single nucleotide variant.
Coding change: c.454C>G on transcript NM_138694.4 (MANE Select); coding-DNA position 454, C replaced by G.
Protein change: p.Leu152Val; replaces leucine 152 with valine.
Molecular consequence: missense variant.
Genome position (GRCh38, 1-based): chr6:52,073,536, G>C on the plus strand (C>G on the coding strand, the complement: PKHD1 is on the minus strand). VCF-style: chr6-52073536-G-C. GRCh37 (hg19) VCF-style: chr6-51938334-G-C.
Other names: c.454C>G, p.Leu152Val (NM_170724.3); c.454C>G (NM_138694.3); short protein forms L152V.
Identifiers: ClinVar variation 1434134 (VCV001434134.6), dbSNP rs2128234015, ClinGen allele CA364436393.